The following is an entry in ClinVar:

NM_001375567.1(FOCAD):c.907-10A>G

Gene: FOCAD (focadhesin; plus strand). Cytogenetic location: 9p21.3.
Variant type: single nucleotide variant.
Coding change: c.907-10A>G on transcript NM_001375567.1 (MANE Select); 10 bases into the intron before coding-DNA position 907, A replaced by G.
Molecular consequence: intron variant.
Genome position (GRCh38, 1-based): chr9:20,778,671, A>G. VCF-style: chr9-20778671-A-G. GRCh37 (hg19) VCF-style: chr9-20778670-A-G.
Other names: c.907-10A>G (NM_017794.5, NM_001375568.1); c.802-10A>G (NM_001375570.1).
Identifiers: ClinVar variation 3354376 (VCV003354376.1).
Genomic context (GRCh38, chr9:20,778,671, plus strand): 5'-GATACATGTTACAAAGCCATGATTCTGGGAACTTCTTTAACAACTCCTTTTTCCCCCTCT[A>G]TTCTTTTAGGATTTTCCTGTTGAACTGGTCATAATTGGAATAGCTTTACTACTTCTACAG-3'

ClinVar aggregate classification (germline): Likely benign (0 of 4 stars; one submission).

Conditions:
FOCAD-related disorder. Also called: FOCAD-related condition.

gnomAD v4.1: 22 of 1,552,718 alleles (0.0014%); highest among the groups gnomAD compares: South Asian, 0.018%; no homozygotes.

Submission:

PreventionGenetics, part of Exact Sciences
Classification: Likely benign for FOCAD-related condition. Last evaluated: 2024-08-28. Review status: no assertion criteria provided. Collection method: clinical testing. Allele origin: germline.
Comment: This variant is classified as likely benign based on ACMG/AMP sequence variant interpretation guidelines (Richards et al. 2015 PMID: 25741868, with internal and published modifications).